The following is an entry in ClinVar:

ClinVar aggregate classification (germline): Uncertain significance (1 of 4 stars; one submission).

Allele frequency attached by ClinVar (database versions not stated): gnomAD exomes below 0.00001; TOPMed below 0.00001; ExAC 0.00001; ESP Exome Variant Server 0.00008.
gnomAD v4.1: 6 of 1,614,026 alleles (0.00037%); highest among the groups gnomAD compares: Admixed American, 0.0017%; no homozygotes.

Submission:

Labcorp Genetics (formerly Invitae), Labcorp
Classification: Uncertain significance. Last evaluated: 2025-11-24. Review status: criteria provided, single submitter. Criteria: Invitae Variant Classification Sherloc (09022015). Collection method: clinical testing. Allele origin: germline.
Comment: This sequence change replaces glycine, which is neutral and non-polar, with serine, which is neutral and polar, at codon 207 of the TFRC protein (p.Gly207Ser). This variant is present in population databases (rs369321220, gnomAD 0.003%). This variant has not been reported in the literature in individuals affected with TFRC-related conditions. ClinVar contains an entry for this variant (Variation ID: 2129530). Invitae Evidence Modeling of protein sequence and biophysical properties (such as structural, functional, and spatial information, amino acid conservation, physicochemical variation, residue mobility, and thermodynamic stability) indicates that this missense variant is not expected to disrupt TFRC protein function with a negative predictive value of 80%. In summary, the available evidence is currently insufficient to determine the role of this variant in disease. Therefore, it has been classified as a Variant of Uncertain Significance.

NM_001128148.3(TFRC):c.619G>A (p.Gly207Ser)

Gene: TFRC (transferrin receptor; minus strand). Cytogenetic location: 3q29.
Variant type: single nucleotide variant.
Coding change: c.619G>A on transcript NM_001128148.3 (MANE Select); coding-DNA position 619, G replaced by A.
Protein change: p.Gly207Ser; replaces glycine 207 with serine.
Molecular consequence: missense variant. On other transcripts: 5 prime UTR variant (1).
Genome position (GRCh38, 1-based): chr3:196,071,464, C>T on the plus strand (G>A on the coding strand, the complement: TFRC is on the minus strand). VCF-style: chr3-196071464-C-T. GRCh37 (hg19) VCF-style: chr3-195798335-C-T.
Other names: c.376G>A, p.Gly126Ser (NM_001313965.2); c.-228G>A (NM_001313966.2); c.619G>A, p.Gly207Ser (NM_003234.4); short protein forms G207S, G126S.
Identifiers: ClinVar variation 2129530 (VCV002129530.4), dbSNP rs369321220, ClinGen allele CA2778242.
Genomic context (GRCh38, chr3:196,071,464, plus strand): 5'-TTGCAGCCTTACTATACGCCACATAACCCCCAGGATTCTCCACCAGGTAAACAAGTCTAC[C>T]GTTCTTATCAACTATGATCACCGAGTTTTGAGCGCTGTTAAAAAGATTAAGTTAAAATAA-3'
Protein context (NP_001121620.1, residues 197-217): QNSVIIVDKN[Gly207Ser]RLVYLVENPG